The following is an entry in ClinVar:

ClinVar aggregate classification (germline): Pathogenic (1 of 4 stars; one submission).

Conditions:
Primary ciliary dyskinesia. Also called: Ciliary dyskinesia. Identifiers: Orphanet 244, MedGen C0008780, MONDO:0016575, HP:0012265.

Submission:

Labcorp Genetics (formerly Invitae), Labcorp
Classification: Pathogenic for Primary ciliary dyskinesia. Last evaluated: 2025-08-04. Review status: criteria provided, single submitter. Criteria: Invitae Variant Classification Sherloc (09022015). Collection method: clinical testing. Allele origin: germline.
Comment: This sequence change creates a premature translational stop signal (p.Lys315*) in the DNAAF1 gene. It is expected to result in an absent or disrupted protein product. Loss-of-function variants in DNAAF1 are known to be pathogenic (PMID: 19944400, 19944405). Information on the frequency of this variant in the gnomAD database is not available, as this variant may be reported differently in the database. This variant has not been reported in the literature in individuals affected with DNAAF1-related conditions. ClinVar contains an entry for this variant (Variation ID: 3703742). For these reasons, this variant has been classified as Pathogenic.

Literature cited by the submitters: PubMed 19944400; PubMed 19944405.

NM_178452.6(DNAAF1):c.942_943delinsAT (p.Lys315Ter)

Gene: DNAAF1 (dynein axonemal assembly factor 1; plus strand). Cytogenetic location: 16q24.1.
Variant type: Indel.
Coding change: c.942_943delinsAT on transcript NM_178452.6 (MANE Select); coding-DNA positions 942 to 943, GA replaced by AT.
Protein change: p.Lys315Ter; replaces lysine 315 with a stop codon.
Molecular consequence: nonsense.
Genome position (GRCh38, 1-based): chr16:84,165,861-84,165,862, GA replaced by AT. VCF-style: chr16-84165861-GA-AT. GRCh37 (hg19) VCF-style: chr16-84199467-GA-AT.
Other names: c.186_187delinsAT, p.Lys63Ter (NM_001318756.1); short protein forms K315*, K63*.
Identifiers: ClinVar variation 3703742 (VCV003703742.2).